The following is an entry in ClinVar:

NM_006073.4(TRDN):c.862C>G (p.Pro288Ala)

Genes: TRDN (triadin; minus strand), TRDN-AS1 (TRDN antisense RNA 1; plus strand). Cytogenetic location: 6q22.31.
Variant type: single nucleotide variant.
Coding change: c.862C>G on transcript NM_006073.4 (MANE Select); coding-DNA position 862, C replaced by G.
Protein change: p.Pro288Ala; replaces proline 288 with alanine.
Molecular consequence: missense variant.
Genome position (GRCh38, 1-based): chr6:123,464,975, G>C on the plus strand (C>G on the coding strand, the complement: TRDN is on the minus strand). VCF-style: chr6-123464975-G-C. GRCh37 (hg19) VCF-style: chr6-123786120-G-C.
Other names: c.862C>G, p.Pro288Ala (NM_001251987.2); c.802C>G, p.Pro268Ala (NM_001256020.2, NM_001407315.1); short protein forms P268A, P288A.
Identifiers: ClinVar variation 3810180 (VCV003810180.1).

ClinVar aggregate classification (germline): Uncertain significance (1 of 4 stars; one submission).

Conditions:
Cardiovascular phenotype. Identifiers: MedGen CN230736.

gnomAD v4.1: 2 of 1,593,924 alleles (0.00013%); highest among the groups gnomAD compares: South Asian, 0.0023%; no homozygotes.

Submission:

Ambry Genetics
Classification: Uncertain significance for Cardiovascular phenotype. Last evaluated: 2025-02-22. Review status: criteria provided, single submitter. Criteria: Ambry Variant Classification Scheme 2023. Collection method: clinical testing. Allele origin: germline.
Comment: The p.P288A variant (also known as c.862C>G), located in coding exon 10 of the TRDN gene, results from a C to G substitution at nucleotide position 862. The proline at codon 288 is replaced by alanine, an amino acid with highly similar properties. This amino acid position is conserved. In addition, this alteration is predicted to be tolerated by in silico analysis. Based on the available evidence, the clinical significance of this variant remains unclear.